The following is an entry in ClinVar:

NM_000890.5(KCNJ5):c.483T>G (p.Cys161Trp)

Gene: KCNJ5 (potassium inwardly rectifying channel subfamily J member 5; plus strand). Cytogenetic location: 11q24.3.
Variant type: single nucleotide variant.
Coding change: c.483T>G on transcript NM_000890.5 (MANE Select); coding-DNA position 483, T replaced by G.
Protein change: p.Cys161Trp; replaces cysteine 161 with tryptophan.
Molecular consequence: missense variant.
Genome position (GRCh38, 1-based): chr11:128,911,756, T>G. VCF-style: chr11-128911756-T-G. GRCh37 (hg19) VCF-style: chr11-128781651-T-G.
Other names: c.483T>G, p.Cys161Trp (NM_001354169.2); short protein forms C161W.
Identifiers: ClinVar variation 1743501 (VCV001743501.4), dbSNP rs984306934, ClinGen allele CA230640474.

ClinVar aggregate classification (germline): Uncertain significance. Review status: criteria provided, multiple submitters, no conflicts (2 of 4 stars). 2 submissions from 2 submitters: Uncertain significance (2). Last evaluated 2024-09-17.

Conditions:
Cardiovascular phenotype. Identifiers: MedGen CN230736.
Long QT syndrome (LQTS). Identifiers: MedGen C0023976, MeSH D008133, MONDO:0002442. Disease mechanism: loss of function. Inheritance: Various modes of inheritance.

Allele frequency attached by ClinVar (database versions not stated): TOPMed below 0.00001; gnomAD 0.00002.
gnomAD v4.1: 3 of 1,614,038 alleles (0.00019%); highest among the groups gnomAD compares: African/African-American, 0.004%; no homozygotes.

Submissions (2):

Labcorp Genetics (formerly Invitae), Labcorp
Classification: Uncertain significance for Long QT syndrome. Last evaluated: 2024-09-17. Review status: criteria provided, single submitter. Criteria: Invitae Variant Classification Sherloc (09022015). Collection method: clinical testing. Allele origin: germline.
Comment: This sequence change replaces cysteine, which is neutral and slightly polar, with tryptophan, which is neutral and slightly polar, at codon 161 of the KCNJ5 protein (p.Cys161Trp). This variant is present in population databases (no rsID available, gnomAD 0.01%). This variant has not been reported in the literature in individuals affected with KCNJ5-related conditions. ClinVar contains an entry for this variant (Variation ID: 1743501). Invitae Evidence Modeling of protein sequence and biophysical properties (such as structural, functional, and spatial information, amino acid conservation, physicochemical variation, residue mobility, and thermodynamic stability) indicates that this missense variant is expected to disrupt KCNJ5 protein function with a positive predictive value of 80%. In summary, the available evidence is currently insufficient to determine the role of this variant in disease. Therefore, it has been classified as a Variant of Uncertain Significance.

Ambry Genetics
Classification: Uncertain significance for Cardiovascular phenotype. Last evaluated: 2022-04-19. Review status: criteria provided, single submitter. Criteria: Ambry Variant Classification Scheme 2023. Collection method: clinical testing. Allele origin: germline.
Comment: The p.C161W variant (also known as c.483T>G), located in coding exon 1 of the KCNJ5 gene, results from a T to G substitution at nucleotide position 483. The cysteine at codon 161 is replaced by tryptophan, an amino acid with highly dissimilar properties. This amino acid position is highly conserved in available vertebrate species. In addition, this alteration is predicted to be deleterious by in silico analysis. Since supporting evidence is limited at this time, the clinical significance of this alteration remains unclear.